The following is an entry in ClinVar:

ClinVar aggregate classification (germline): Uncertain significance (1 of 4 stars; one submission).

Conditions:
Hereditary cancer-predisposing syndrome. Also called: Hereditary neoplastic syndrome; Neoplastic Syndromes, Hereditary; Tumor predisposition; Hereditary Cancer Syndrome. Identifiers: Orphanet 140162, MedGen C0027672, MeSH D009386, MONDO:0015356.

Submission:

Ambry Genetics
Classification: Uncertain significance for Hereditary cancer-predisposing syndrome. Last evaluated: 2025-08-01. Review status: criteria provided, single submitter. Criteria: Ambry Variant Classification Scheme 2023. Collection method: clinical testing. Allele origin: germline.
Comment: The p.F285C variant (also known as c.854T>G), located in coding exon 9 of the POLE gene, results from a T to G substitution at nucleotide position 854. The phenylalanine at codon 285 is replaced by cysteine, an amino acid with highly dissimilar properties. This amino acid position is conserved. In addition, this alteration is predicted to be deleterious by in silico analysis. Based on the available evidence, the clinical significance of this variant remains unclear.

NM_006231.4(POLE):c.854T>G (p.Phe285Cys)

Gene: POLE (DNA polymerase epsilon, catalytic subunit; minus strand). Cytogenetic location: 12q24.33.
Variant type: single nucleotide variant.
Coding change: c.854T>G on transcript NM_006231.4 (MANE Select); coding-DNA position 854, T replaced by G.
Protein change: p.Phe285Cys; replaces phenylalanine 285 with cysteine.
Molecular consequence: missense variant.
Genome position (GRCh38, 1-based): chr12:132,676,601, A>C on the plus strand (T>G on the coding strand, the complement: POLE is on the minus strand). VCF-style: chr12-132676601-A-C. GRCh37 (hg19) VCF-style: chr12-133253187-A-C.
Other names: short protein forms F285C.
Identifiers: ClinVar variation 4141185 (VCV004141185.1).